The following is an entry in ClinVar:

NM_001242896.3(DEPDC5):c.4795C>T (p.His1599Tyr)

Gene: DEPDC5 (DEP domain containing 5, GATOR1 subcomplex subunit; plus strand). Cytogenetic location: 22q12.3.
Variant type: single nucleotide variant.
Coding change: c.4795C>T on transcript NM_001242896.3 (MANE Select); coding-DNA position 4795, C replaced by T.
Protein change: p.His1599Tyr; replaces histidine 1599 with tyrosine.
Molecular consequence: missense variant. On other transcripts: non-coding transcript variant (5).
Genome position (GRCh38, 1-based): chr22:31,906,480, C>T. VCF-style: chr22-31906480-C-T. GRCh37 (hg19) VCF-style: chr22-32302466-C-T.
Other names: c.4768C>T, p.His1590Tyr (NM_001136029.4); c.4495C>T, p.His1499Tyr (NM_001242897.2); c.4729C>T, p.His1577Tyr (NM_001363852.2, NM_001364320.2); c.4561C>T, p.His1521Tyr (NM_001363854.2, NM_001364319.2); c.4795C>T, p.His1599Tyr (NM_001364318.2); c.4711C>T, p.His1571Tyr (NM_001369901.1, NM_001369902.1); c.4702C>T, p.His1568Tyr (NM_001369903.1, NM_014662.6); short protein forms H1599Y, H1499Y, H1521Y, H1568Y, H1571Y, H1577Y, H1590Y.
Identifiers: ClinVar variation 858084 (VCV000858084.11), dbSNP rs766418499, ClinGen allele CA10197334.
Genomic context (GRCh38, chr22:31,906,480, plus strand): 5'-TTCTGCATCAACCGTGACAACCGGCTGGTCACGTTCTGGACAAGTTGCCTGGAGAAGATG[C>T]ATGCCAGTGCCCCGTGAGGCCAGGCTGCACCTGTGCTGGGGGAAGGTGGGTGAGCCACTG-3'
Protein context (NP_001229825.1, residues 1589-1603): TFWTSCLEKM[His1599Tyr]ASAP

ClinVar aggregate classification (germline): Uncertain significance. Review status: criteria provided, multiple submitters, no conflicts (2 of 4 stars). 3 submissions from 3 submitters: Uncertain significance (3). Last evaluated 2024-03-04.

Conditions:
Familial focal epilepsy with variable foci (FPEVF). Identifiers: Orphanet 98820, MedGen C1858477, MONDO:0020310.
Inborn genetic diseases. Identifiers: MedGen C0950123, MeSH D030342.

Allele frequency attached by ClinVar (database versions not stated): ExAC 0.00003; TOPMed 0.00001; gnomAD exomes 0.00001; gnomAD 0.00001.

Submissions (3):

Labcorp Genetics (formerly Invitae), Labcorp
Classification: Uncertain significance for Familial focal epilepsy with variable foci. Last evaluated: 2024-03-04. Review status: criteria provided, single submitter. Criteria: Invitae Variant Classification Sherloc (09022015). Collection method: clinical testing. Allele origin: germline.
Comment: This sequence change replaces histidine, which is basic and polar, with tyrosine, which is neutral and polar, at codon 1599 of the DEPDC5 protein (p.His1599Tyr). This variant is present in population databases (rs766418499, gnomAD 0.004%). This variant has not been reported in the literature in individuals affected with DEPDC5-related conditions. ClinVar contains an entry for this variant (Variation ID: 858084). Experimental studies and prediction algorithms are not available or were not evaluated, and the functional significance of this variant is currently unknown. In summary, the available evidence is currently insufficient to determine the role of this variant in disease. Therefore, it has been classified as a Variant of Uncertain Significance.

Ambry Genetics
Classification: Uncertain significance for Inborn genetic diseases. Last evaluated: 2023-09-20. Review status: criteria provided, single submitter. Criteria: Ambry Variant Classification Scheme 2023. Collection method: clinical testing. Allele origin: germline.

Mayo Clinic Laboratories, Mayo Clinic
Classification: Uncertain significance. Last evaluated: 2019-05-20. Review status: criteria provided, single submitter. Criteria: ACMG Guidelines, 2015. Collection method: clinical testing. Allele origin: germline. Observed: 1 variant allele.